The following is an entry in ClinVar:

NM_000384.3(APOB):c.9758T>C (p.Val3253Ala)

Gene: APOB (apolipoprotein B; minus strand). Cytogenetic location: 2p24.1.
Variant type: single nucleotide variant.
Coding change: c.9758T>C on transcript NM_000384.3 (MANE Select); coding-DNA position 9758, T replaced by C.
Protein change: p.Val3253Ala; replaces valine 3253 with alanine.
Molecular consequence: missense variant.
Genome position (GRCh38, 1-based): chr2:21,007,110, A>G on the plus strand (T>C on the coding strand, the complement: APOB is on the minus strand). VCF-style: chr2-21007110-A-G. GRCh37 (hg19) VCF-style: chr2-21229982-A-G.
Other names: short protein forms V3253A.
Identifiers: ClinVar variation 4125982 (VCV004125982.2).

ClinVar aggregate classification (germline): Uncertain significance (1 of 4 stars; one submission).

Conditions:
Cardiovascular phenotype. Identifiers: MedGen CN230736.

gnomAD v4.1: 5 of 1,613,922 alleles (0.00031%); highest among the groups gnomAD compares: Non-Finnish European, 0.00042%; no homozygotes.

Submission:

Ambry Genetics
Classification: Uncertain significance for Cardiovascular phenotype. Last evaluated: 2026-09-11. Review status: criteria provided, single submitter. Criteria: Ambry Variant Classification Scheme 2023. Collection method: clinical testing. Allele origin: germline.
Comment: The p.V3253A variant (also known as c.9758T>C), located in coding exon 26 of the APOB gene, results from a T to C substitution at nucleotide position 9758. The valine at codon 3253 is replaced by alanine, an amino acid with similar properties. This amino acid position is conserved. In addition, this alteration is predicted to be tolerated by in silico analysis. Based on the available evidence, the clinical significance of this variant remains unclear.